The following continues an entry in ClinVar:

NM_001303256.3(MORC2):c.79G>A (p.Glu27Lys)

Gene: MORC2. ClinVar aggregate classification (germline): Pathogenic/Likely pathogenic. Pathogenic (12); Likely pathogenic (1).

Submissions 10 to 16 of 16:

Ambry Genetics
Classification: Pathogenic for Inborn genetic diseases. Last evaluated: 2021-07-30. Review status: criteria provided, single submitter. Criteria: Ambry Variant Classification Scheme 2023. Collection method: clinical testing. Allele origin: germline.
Comment: The c.79G>A (p.E27K) alteration is located in coding exon 2 of the MORC2 gene. This alteration results from a G to A substitution at nucleotide position 79, causing the glutamic acid (E) at amino acid position 27 to be replaced by a lysine (K). Based on data from the Genome Aggregation Database (gnomAD), the MORC2 c.79G>A alteration was not observed, with coverage at this position. This alteration has been reported de novo in multiple patients affected with developmental delay, intellectual disability, microcephaly, and variable brain MRI and retinal anomalies (Guillen Sacoto, 2020). This amino acid position is highly conserved in available vertebrate species. The in silico prediction for the p.E27K alteration is inconclusive. Based on the available evidence, this alteration is classified as pathogenic.

Illumina Laboratory Services, Illumina
Classification: Pathogenic for MORC2-related neurodevelopmental disorders. Last evaluated: 2021-05-28. Review status: criteria provided, single submitter. Criteria: ICSLVariantClassificationCriteria RUGD 01 April 2020. Collection method: clinical testing. Allele origin: unknown.
Comment: The MORC2 c.79G>A (p.Gly27Lys) variant is a missense variant that has been reported in one study, in which it was found to occur de novo in a heterozygous state in five individuals with a neurodevelopmental phenotype including developmental delays and intellectual disability, and variably hearing loss, microcephaly, short stature, facial dysmorphisms, retinopathy, and abnormalities on brain MRI (Guillen Sacoto et al. 2020). The variant was also reported in a de novo state in one individual with developmental delay in the Deciphering Developmental Disorders Study, detailed clinical information was not available (Deciphering Developmental Disorders Study, 2017). The p.Gly27Lys variant is not found in version 2.1.1 or version 3.1.1 of the Genome Aggregation Database despite its location in a region of good sequence coverage, so the variant is presumed to be rare. In vitro genetic complementation experiments in MORC2-deficient cells demonstrated the p.Gly27Lys variant resulted in hyperactivation of HUSH-mediated epigenetic silencing (Guillen Sacoto et al. 2020). Based on the collective evidence and application of the ACMG criteria, the p.Gly27Lys variant is classified as pathogenic for MORC2-related neurodevelopmental disorders.

Revvity Omics, Revvity
Classification: Pathogenic. Last evaluated: 2020-08-10. Review status: criteria provided, single submitter. Criteria: ACMG Guidelines, 2015. Collection method: clinical testing. Allele origin: germline.

Blueprint Genetics
Classification: Likely pathogenic for MORC2-related disorders. Last evaluated: 2020-01-27. Review status: criteria provided, single submitter. Criteria: ACMG Guidelines, 2015. Collection method: clinical testing. Allele origin: germline. Affected: yes. Observed: 1 variant allele.

Solve-RD Consortium
Classification: Likely pathogenic for Charcot-Marie-Tooth disease axonal type 2Z. Last evaluated: 2022-06-01. Review status: no assertion criteria provided. Collection method: provider interpretation. Allele origin: inherited. Affected: yes. Not counted in ClinVar's aggregate classification.
Comment: Variant confirmed as disease-causing by referring clinical team

Variant identified during reanalysis of unsolved cases by the Solve-RD project. The Solve-RD project has received funding from the European Union’s Horizon 2020 research and innovation programme under grant agreement No 779257.

OMIM
Classification: Pathogenic for DEVELOPMENTAL DELAY, IMPAIRED GROWTH, DYSMORPHIC FACIES, AND AXONAL NEUROPATHY. Last evaluated: 2021-01-11. Review status: no assertion criteria provided. Collection method: literature only. Allele origin: germline. Not counted in ClinVar's aggregate classification.

Centre de Biologie Pathologie Génétique, Centre Hospitalier Universitaire de Lille
Classification: Pathogenic for Developmental delay, impaired growth, dysmorphic facies, and axonal neuropathy. Last evaluated: 2020-01-01. Review status: no assertion criteria provided. Collection method: clinical testing. Allele origin: germline. Affected: yes. Not counted in ClinVar's aggregate classification.

Literature cited by the submitters: PubMed 28135719 (cited by 3 submitters); PubMed 32693025 (cited by 6 submitters); PubMed 39825153 (cited by Solve-RD Consortium).